The following is an entry in ClinVar:

NM_000342.4(SLC4A1):c.2149G>A (p.Ala717Thr)

Gene: SLC4A1 (solute carrier family 4 member 1 (Diego blood group); minus strand). Cytogenetic location: 17q21.31.
Variant type: single nucleotide variant.
Coding change: c.2149G>A on transcript NM_000342.4 (MANE Select); coding-DNA position 2149, G replaced by A.
Protein change: p.Ala717Thr; replaces alanine 717 with threonine.
Molecular consequence: missense variant.
Genome position (GRCh38, 1-based): chr17:44,253,280, C>T on the plus strand (G>A on the coding strand, the complement: SLC4A1 is on the minus strand). VCF-style: chr17-44253280-C-T. GRCh37 (hg19) VCF-style: chr17-42330648-C-T.
Other names: p.Ala717Thr; c.2149G>A (NM_000342.3); short protein forms A717T.
Identifiers: ClinVar variation 546796 (VCV000546796.48), dbSNP rs750490778, ClinGen allele CA8600106.
Genomic context (GRCh38, chr17:44,253,280, plus strand): 5'-CGTTGGCATGGGTGACGGAACGCACGGTGGTGGCACTGAGCCAGGGCATCCCAAAGAGGG[C>T]GGCCACCCCACCCATGCCTACTACCAGCAGCAGGTCCAGGTGGAAGCCGGAGCCCTTGAC-3'
Protein context (NP_000333.1, residues 707-727): LLVVGMGGVA[Ala717Thr]LFGMPWLSAT

ClinVar aggregate classification (germline): Uncertain significance. Review status: criteria provided, multiple submitters, no conflicts (2 of 4 stars). 5 submissions from 5 submitters: Uncertain significance (5). Last evaluated 2025-01-26.

Conditions:
Southeast Asian ovalocytosis. Also called: HE, STOMATOCYTIC; Stomatocytic elliptocytosis, hereditary; Ovalocytosis, Malaysian-Melanesian-Filipino type; Elliptocytosis 4. Identifiers: Orphanet 98868, MedGen C1862322, MONDO:0008165, OMIM 166900.
Hereditary spherocytosis type 4. Also called: SLC4A1-Related Spherocytosis. Identifiers: Orphanet 822, MedGen C2675212, MONDO:0012981, OMIM 612653.
BLOOD GROUP--WRIGHT ANTIGEN (WR). Identifiers: MedGen C1862190, OMIM 112050.
BLOOD GROUP--SWANN SYSTEM (SW). Also called: SWANN BLOOD GROUP. Identifiers: MedGen C1832169, OMIM 601550.
BLOOD GROUP--DIEGO SYSTEM (DI). Identifiers: MedGen C1292286, OMIM 110500.
BLOOD GROUP, WALDNER (WD). Also called: WALDNER BLOOD GROUP ANTIGEN. Identifiers: MedGen C1862191, OMIM 112010.
BLOOD GROUP--FROESE (FR). Also called: FROESE BLOOD GROUP ANTIGEN. Identifiers: MedGen C1832168, OMIM 601551.
Malaria, susceptibility to. Identifiers: Orphanet 673, MedGen C1970028, MONDO:0021024, OMIM 611162.
Cryohydrocytosis. Also called: STOMATOCYTOSIS, COLD-SENSITIVE; CRYOHYDROCYTOSIS DUE TO BAND 3 HEMEL; CRYOHYDROCYTOSIS DUE TO BAND 3 HURSTPIERPOINT; CRYOHYDROCYTOSIS DUE TO BAND 3 BLACKBURN; Hereditary cryohydrocytosis with normal stomatin. Identifiers: Orphanet 398088, MedGen C1861453, MONDO:0008494, OMIM 185020.
Autosomal dominant distal renal tubular acidosis (DRTA1). Also called: Renal Tubular Acidosis, Type I; RTA, CLASSIC TYPE; RTA, DISTAL TYPE, AUTOSOMAL DOMINANT; RTA, GRADIENT TYPE; RENAL TUBULAR ACIDOSIS, DISTAL, 1. Identifiers: Orphanet 93608, MedGen CN280572, MONDO:0008368, OMIM 179800.
Renal tubular acidosis, distal, 4, with hemolytic anemia. Also called: Renal Tubular Acidosis, Distal, with Hemolytic Anemia. Identifiers: Orphanet 93610, MedGen C5436235, MONDO:0012700, OMIM 611590.
Inborn genetic diseases. Identifiers: MedGen C0950123, MeSH D030342.

Allele frequency attached by ClinVar (database versions not stated): ExAC 0.00001; gnomAD 0.00001; TOPMed 0.00001; gnomAD exomes 0.00002.
gnomAD v4.1: 55 of 1,613,830 alleles (0.0034%); highest among the groups gnomAD compares: East Asian, 0.011%; no homozygotes.

Submissions (5):

Ambry Genetics
Classification: Uncertain significance for Inborn genetic diseases. Last evaluated: 2025-01-26. Review status: criteria provided, single submitter. Criteria: Ambry Variant Classification Scheme 2023. Collection method: clinical testing. Allele origin: germline.

Fulgent Genetics
Classification: Uncertain significance for BLOOD GROUP--DIEGO SYSTEM; BLOOD GROUP, WALDNER; BLOOD GROUP--WRIGHT ANTIGEN; Southeast Asian ovalocytosis; Autosomal dominant distal renal tubular acidosis; Cryohydrocytosis; BLOOD GROUP--SWANN SYSTEM; BLOOD GROUP--FROESE; Malaria, susceptibility to; Renal tubular acidosis, distal, 4, with hemolytic anemia; Hereditary spherocytosis type 4. Last evaluated: 2024-04-25. Review status: criteria provided, single submitter. Criteria: ACMG Guidelines, 2015. Collection method: clinical testing. Allele origin: germline.

GeneDx
Classification: Uncertain significance. Last evaluated: 2023-01-05. Review status: criteria provided, single submitter. Criteria: GeneDx Variant Classification Process June 2021. Collection method: clinical testing. Allele origin: germline. Affected: yes.
Comment: In silico analysis supports that this missense variant has a deleterious effect on protein structure/function; Located in a region that tolerates variation and lacks pathogenic variants; Has not been previously published as pathogenic or benign to our knowledge

Mayo Clinic Laboratories, Mayo Clinic
Classification: Uncertain significance. Last evaluated: 2022-12-19. Review status: criteria provided, single submitter. Criteria: ACMG Guidelines, 2015. Collection method: clinical testing. Allele origin: germline. Observed: 1 variant allele.

CeGaT Center for Human Genetics Tuebingen
Classification: Uncertain significance. Last evaluated: 2017-12-01. Review status: criteria provided, single submitter. Criteria: CeGaT Center For Human Genetics Tuebingen Variant Classification Criteria Version 2. Collection method: clinical testing. Allele origin: germline. Affected: yes. Observed: 1 variant allele.